The following is an entry in ClinVar:

NM_001204.7(BMPR2):c.1042G>A (p.Val348Ile)

Gene: BMPR2 (bone morphogenetic protein receptor type 2; plus strand). Cytogenetic location: 2q33.2.
Variant type: single nucleotide variant.
Coding change: c.1042G>A on transcript NM_001204.7 (MANE Select); coding-DNA position 1042, G replaced by A.
Protein change: p.Val348Ile; replaces valine 348 with isoleucine.
Molecular consequence: missense variant.
Genome position (GRCh38, 1-based): chr2:202,530,868, G>A. VCF-style: chr2-202530868-G-A. GRCh37 (hg19) VCF-style: chr2-203395591-G-A.
Other names: p.Val348Ile; NM_001204.7(BMPR2):c.1042G>A; c.1042G>A, p.V348I (LRG_712t1); short protein forms V348I.
Identifiers: ClinVar variation 333642 (VCV000333642.21), dbSNP rs201067849, ClinGen allele CA2061283.
Genomic context (GRCh38, chr2:202,530,868, plus strand): 5'-GCAATTTCCCATCGAGATTTAAACAGCAGAAATGTCCTAGTGAAAAATGATGGAACCTGT[G>A]TTATTAGTGACTTTGGACTGTCCATGAGGCTGACTGGAAATAGACTGGTGCGCCCAGGGG-3'
Protein context (NP_001195.2, residues 338-358): NVLVKNDGTC[Val348Ile]ISDFGLSMRL

ClinVar aggregate classification (germline): Likely benign. Review status: reviewed by expert panel (3 of 4 stars). 8 submissions from 8 submitters: Likely benign (1). 7 of the submissions do not count toward it. Last evaluated 2024-05-03.

Conditions:
Genetic non-acquired premature ovarian failure. Identifiers: Orphanet 485382, MedGen C5925042.
Primary pulmonary hypertension. Also called: Idiopathic pulmonary hypertension. Identifiers: MedGen C0152171.
Pulmonary arterial hypertension. Identifiers: Orphanet 182090, MedGen C2973725, MeSH D000081029, MONDO:0015924, HP:0002092.
Tooth agenesis, selective, 1. Also called: HYPODONTIA/OLIGODONTIA 1; SECOND PREMOLARS AND THIRD MOLARS, ABSENCE OF. Identifiers: Orphanet 99798, MedGen C3489529, MONDO:0007129, OMIM 106600. Disease mechanism: loss of function.
Pulmonary hypertension, primary, 1 (PPH1). Also called: Pulmonary hypertension, familial primary, 1, with or without HHT. Identifiers: Orphanet 422, MedGen C4552070, MONDO:0024533, OMIM 178600.

Allele frequency attached by ClinVar (database versions not stated): gnomAD 0.00020 and 0.00023; TOPMed 0.00024; ExAC 0.00045; gnomAD exomes 0.00054; 1000 Genomes Project 30x 0.00094; 1000 Genomes Project 0.00100.
gnomAD v4.1: 195 of 1,614,064 alleles (0.012%); highest among the groups gnomAD compares: East Asian, 0.4%; no homozygotes.

Submissions (8):

Clingen Pulmonary Hypertension Variant Curation Expert Panel, ClinGen
Classification: Likely benign for Pulmonary arterial hypertension. Last evaluated: 2024-05-03. Review status: reviewed by expert panel. Criteria: ClinGen PH ACMG Specifications BMPR2 V1.1.0. Collection method: curation. Allele origin: germline. Inheritance: Autosomal dominant inheritance.
Comment: The NM_001204.7(BMPR2) c.1042G>A variant is a missense variant predicted to cause a valine to isoleucine substitution at amino acid 348 (p.Val348Ile). The highest population minor allele frequency in gnomAD v2.1.1 controls is 0.88% (62/7044) alleles in the “Other” East Asian population, which is higher than the ClinGen Pulmonary Hypertension VCEP threshold >0.1% for BS1, and therefore meets this criterion (BS1). PP3 was not met. The computational predictor REVEL gives a score of 0.744 which is below the threshold of >0.75 for pathogenicity. Densitometry analysis indicated a modest reduction in p-SMAD levels but this was not consolidated by additional experimental analysis (PS3_supporting). In summary the variant meets the criteria to be classified as likely benign for pulmonary arterial hypertension based on the ACMG/AMP criteria applied, as specified by the ClinGen Pulmonary Hypertension VCEP: BS1, PS3_supporting (VCEP specification version 1.1, 1/18/2024).

Labcorp Genetics (formerly Invitae), Labcorp
Classification: Benign for Primary pulmonary hypertension. Last evaluated: 2026-01-28. Review status: criteria provided, single submitter. Criteria: Invitae Variant Classification Sherloc (09022015). Collection method: clinical testing. Allele origin: germline. Not counted in ClinVar's aggregate classification.

Molecular Genetics, Royal Melbourne Hospital
Classification: Benign for Pulmonary arterial hypertension. Last evaluated: 2023-11-05. Review status: criteria provided, single submitter. Criteria: ACMG Guidelines, 2015. Collection method: clinical testing. Allele origin: germline. Inheritance: Autosomal dominant inheritance. Affected: no. Not counted in ClinVar's aggregate classification.

Department of Pathology and Laboratory Medicine, Sinai Health System
Classification: Uncertain significance for pulmonary arterial hypertension. Last evaluated: 2021-08-10. Review status: criteria provided, single submitter. Criteria: ACMG Guidelines, 2015. Collection method: research. Allele origin: germline. Not counted in ClinVar's aggregate classification.

Illumina Laboratory Services, Illumina
Classification: Likely benign for Pulmonary hypertension, primary, 1. Last evaluated: 2017-04-27. Review status: criteria provided, single submitter. Criteria: ICSL Variant Classification Criteria 13 December 2019. Collection method: clinical testing. Allele origin: germline. Not counted in ClinVar's aggregate classification.
Comment: This variant was observed as part of a predisposition screen in an ostensibly healthy population. A literature search was performed for the gene, cDNA change, and amino acid change (where applicable). Publications were found based on this search. The evidence from the literature, in combination with allele frequency data from public databases where available, was sufficient to determine this variant is unlikely to cause disease. Therefore, this variant is classified as likely benign.

Department of Prosthodontics, Peking University School and Hospital of Stomatology
Classification: Likely pathogenic for Tooth agenesis, selective, 1. Review status: criteria provided, single submitter. Criteria: ACMG Guidelines, 2015. Collection method: research. Allele origin: de novo. Inheritance: Sporadic. Affected: yes. Observed: 1 heterozygote. Not counted in ClinVar's aggregate classification.

Center for Reproductive Medicine, Shandong Provincial Hospital Affiliated to Shandong University
Classification: Likely pathogenic for Genetic non-acquired premature ovarian failure. Last evaluated: 2019-10-01. Review status: no assertion criteria provided. Collection method: research. Allele origin: unknown. Affected: yes. Observed: 3 variant alleles. Not counted in ClinVar's aggregate classification.

Rare Disease Genomics Group, St George's University of London
Classification: Uncertain significance for Primary pulmonary hypertension. Review status: no assertion criteria provided. Collection method: literature only. Allele origin: germline. Affected: yes. Not counted in ClinVar's aggregate classification.

Literature cited by the submitters: PubMed 36675162 (cited by Clingen Pulmonary Hypertension Variant Curation Expert Panel, ClinGen); PubMed 20002458 (cited by Illumina Laboratory Services, Illumina and Rare Disease Genomics Group, St George's University of London); PubMed 19555857 (cited by Illumina Laboratory Services, Illumina and Rare Disease Genomics Group, St George's University of London); PubMed 21737554 (cited by Rare Disease Genomics Group, St George's University of London); PubMed 26387786 (cited by Rare Disease Genomics Group, St George's University of London).